The following is an entry in ClinVar:

ClinVar aggregate classification (germline): Benign/Likely benign. Review status: criteria provided, multiple submitters, no conflicts (2 of 4 stars). 7 submissions from 7 submitters: Benign (6); Likely benign (1). Last evaluated 2026-01-31.

Conditions:
Gray platelet syndrome (GPS). Also called: BLEEDING DISORDER, PLATELET-TYPE, 4. Identifiers: Orphanet 721, MedGen C0272302, MONDO:0007686, OMIM 139090.

Allele frequency attached by ClinVar (database versions not stated): gnomAD exomes 0.03019 and 0.06629; ESP Exome Variant Server 0.03542; gnomAD 0.04927 and 0.05052; ExAC 0.06039; TOPMed 0.06219; 1000 Genomes Project 30x 0.07433; 1000 Genomes Project 0.07608.
gnomAD v4.1: 51,979 of 1,613,270 alleles (3.2%); highest among the groups gnomAD compares: Admixed American, 19%; 2,438 homozygotes.

Submissions (7):

Labcorp Genetics (formerly Invitae), Labcorp
Classification: Benign. Last evaluated: 2026-01-31. Review status: criteria provided, single submitter. Criteria: Invitae Variant Classification Sherloc (09022015). Collection method: clinical testing. Allele origin: germline.

Blueprint Genetics
Classification: Likely benign. Last evaluated: 2024-11-26. Review status: criteria provided, single submitter. Criteria: ACMG Guidelines, 2015. Collection method: clinical testing. Allele origin: germline.

Mayo Clinic Laboratories, Mayo Clinic
Classification: Benign. Last evaluated: 2022-09-29. Review status: criteria provided, single submitter. Criteria: ACMG Guidelines, 2015. Collection method: clinical testing. Allele origin: germline. Observed: 48 variant alleles.

GeneDx
Classification: Benign. Last evaluated: 2019-06-04. Review status: criteria provided, single submitter. Criteria: GeneDx Variant Classification Process June 2021. Collection method: clinical testing. Allele origin: germline. Affected: yes.

Illumina Laboratory Services, Illumina
Classification: Benign for Gray platelet syndrome. Last evaluated: 2018-01-12. Review status: criteria provided, single submitter. Criteria: ICSL Variant Classification Criteria 13 December 2019. Collection method: clinical testing. Allele origin: germline.
Comment: This variant was observed in the ICSL laboratory as part of a predisposition screen in an ostensibly healthy population. It had not been previously curated by ICSL or reported in the Human Gene Mutation Database (HGMD: prior to June 1st, 2018), and was therefore a candidate for classification through an automated scoring system. Utilizing variant allele frequency, disease prevalence and penetrance estimates, and inheritance mode, an automated score was calculated to assess if this variant is too frequent to cause the disease. Based on the score and internal cut-off values, a variant classified as benign is not then subjected to further curation. The score for this variant resulted in a classification of benign for this disease.

Breakthrough Genomics
Classification: Benign. Review status: criteria provided, single submitter. Criteria: ACMG Guidelines, 2015. Collection method: not provided. Allele origin: germline. Inheritance: Autosomal recessive inheritance. Affected: yes.

PreventionGenetics, part of Exact Sciences
Classification: Benign. Review status: criteria provided, single submitter. Criteria: ACMG Guidelines, 2015. Collection method: clinical testing. Allele origin: germline.

NM_015175.3(NBEAL2):c.6919+9T>C

Gene: NBEAL2 (neurobeachin like 2; plus strand). Cytogenetic location: 3p21.31.
Variant type: single nucleotide variant.
Coding change: c.6919+9T>C on transcript NM_015175.3 (MANE Select); 9 bases into the intron after coding-DNA position 6919, T replaced by C.
Molecular consequence: intron variant.
Genome position (GRCh38, 1-based): chr3:47,006,072, T>C. VCF-style: chr3-47006072-T-C. GRCh37 (hg19) VCF-style: chr3-47047562-T-C.
Other names: p.?; c.6817+9T>C (NM_001365116.2).
Identifiers: ClinVar variation 260591 (VCV000260591.12), dbSNP rs3816531, ClinGen allele CA2361988.